The following is an entry in ClinVar:

ClinVar aggregate classification (germline): Uncertain significance (1 of 4 stars; one submission).

Allele frequency attached by ClinVar (database versions not stated): gnomAD exomes below 0.00001 and 0.00002; gnomAD 0.00001; ExAC 0.00002; 1000 Genomes Project 30x 0.00016; 1000 Genomes Project 0.00020.
gnomAD v4.1: 6 of 1,612,760 alleles (0.00037%); highest among the groups gnomAD compares: East Asian, 0.011%; no homozygotes.

Submission:

Labcorp Genetics (formerly Invitae), Labcorp
Classification: Uncertain significance. Last evaluated: 2025-03-17. Review status: criteria provided, single submitter. Criteria: Invitae Variant Classification Sherloc (09022015). Collection method: clinical testing. Allele origin: germline.
Comment: This sequence change replaces valine, which is neutral and non-polar, with isoleucine, which is neutral and non-polar, at codon 498 of the KMT2A protein (p.Val498Ile). This variant is present in population databases (rs571230532, gnomAD 0.03%). This variant has not been reported in the literature in individuals affected with KMT2A-related conditions. ClinVar contains an entry for this variant (Variation ID: 1381279). Invitae Evidence Modeling of protein sequence and biophysical properties (such as structural, functional, and spatial information, amino acid conservation, physicochemical variation, residue mobility, and thermodynamic stability) indicates that this missense variant is not expected to disrupt KMT2A protein function with a negative predictive value of 95%. In summary, the available evidence is currently insufficient to determine the role of this variant in disease. Therefore, it has been classified as a Variant of Uncertain Significance.

NM_001197104.2(KMT2A):c.1492G>A (p.Val498Ile)

Gene: KMT2A (lysine methyltransferase 2A; plus strand). Cytogenetic location: 11q23.3.
Variant type: single nucleotide variant.
Coding change: c.1492G>A on transcript NM_001197104.2 (MANE Select); coding-DNA position 1492, G replaced by A.
Protein change: p.Val498Ile; replaces valine 498 with isoleucine.
Molecular consequence: missense variant.
Genome position (GRCh38, 1-based): chr11:118,472,651, G>A. VCF-style: chr11-118472651-G-A. GRCh37 (hg19) VCF-style: chr11-118343366-G-A.
Other names: c.1492G>A, p.Val498Ile (NM_005933.4); short protein forms V498I.
Identifiers: ClinVar variation 1381279 (VCV001381279.8), dbSNP rs571230532, ClinGen allele CA6303408.